The following is an entry in ClinVar:

GRCh37/hg19 2p16.3(chr2:50766007-50927534)x1

Gene: NRXN1 (neurexin 1; minus strand). Cytogenetic location: 2p16.3.
Variant type: copy number loss.
Change: copy number 1 (one copy instead of two) of chr2:50,766,007-50,927,534 (161.5 kb, GRCh37 coordinates, 1-based), cytogenetic band 2p16.3.
Identifiers: ClinVar variation 2684509 (VCV002684509.1).

ClinVar aggregate classification (germline): Pathogenic (1 of 4 stars; one submission).

Submission:

Quest Diagnostics Nichols Institute San Juan Capistrano
Classification: Pathogenic. Last evaluated: 2023-06-15. Review status: criteria provided, single submitter. Criteria: ACMG/ClinGen CNV Guidelines, 2019. Collection method: clinical testing. Allele origin: unknown.
Comment: This deletion involves an intragenic segment including exons 7-10 of NRXN1 (OMIM 600565, NM_001135659.3). Loss of NRXN1 has been reported in patients with a wide spectrum of developmental and neuropsychiatric disorders (Ching MS, Am J Med Genet B Neuropsychiatr Genet. 2010. PMID: 20468056; Vinas-Jornet et al. Mol Genet Genomic Med. 2014 Nov;2(6):512-21. PMID: 25614873; Bena et al. Am J Med Genet B Neuropsychiatr Genet. 2013 Jun;162B(4):388-403. PMID: 23533028; Schaaf, et al., Eur J Hum Genet. 2012 May 23, PMID: 22617343; Rujescu et al., Hum Mol Genet. 2009, 18(5):988-96, PMID: 18945720). A cohort study of over 20 individuals with NRXN exonic deletions reported variable phenotypes (Dabell MP, et al., Am J Med Genet A. 2013 Apr;161A(4):717-31; PMID: 23495017).